The following is an entry in ClinVar:

NM_001130438.3(SPTAN1):c.909T>G (p.Asp303Glu)

Gene: SPTAN1 (spectrin alpha, non-erythrocytic 1; plus strand). Cytogenetic location: 9q34.11.
Variant type: single nucleotide variant.
Coding change: c.909T>G on transcript NM_001130438.3 (MANE Select); coding-DNA position 909, T replaced by G.
Protein change: p.Asp303Glu; replaces aspartic acid 303 with glutamic acid.
Molecular consequence: missense variant.
Genome position (GRCh38, 1-based): chr9:128,577,252, T>G. VCF-style: chr9-128577252-T-G. GRCh37 (hg19) VCF-style: chr9-131339531-T-G.
Other names: c.909T>G, p.Asp303Glu (NM_001195532.2, NM_001363759.2, NM_001363765.2 and 5 more transcripts); c.945T>G, p.Asp315Glu (NM_001375312.2, NM_001375318.1); short protein forms D303E, D315E.
Identifiers: ClinVar variation 1427130 (VCV001427130.7), dbSNP rs761676912, ClinGen allele CA375048906.

ClinVar aggregate classification (germline): Uncertain significance (1 of 4 stars; one submission).

Conditions:
Early-infantile DEE. Also called: Ohtahara syndrome; Early infantile epileptic encephalopathy with suppression bursts; Early infantile epileptic encephalopathy. Identifiers: Orphanet 1934, MedGen C0393706, MONDO:0800491.

gnomAD v4.1: 11 of 1,614,190 alleles (0.00068%); highest among the groups gnomAD compares: South Asian, 0.0011%; no homozygotes.

Submission:

Labcorp Genetics (formerly Invitae), Labcorp
Classification: Uncertain significance for Early-infantile DEE. Last evaluated: 2022-06-27. Review status: criteria provided, single submitter. Criteria: Invitae Variant Classification Sherloc (09022015). Collection method: clinical testing. Allele origin: germline.
Comment: In summary, the available evidence is currently insufficient to determine the role of this variant in disease. Therefore, it has been classified as a Variant of Uncertain Significance. Algorithms developed to predict the effect of missense changes on protein structure and function (SIFT, PolyPhen-2, Align-GVGD) all suggest that this variant is likely to be disruptive. This variant has not been reported in the literature in individuals affected with SPTAN1-related conditions. This variant is present in population databases (no rsID available, gnomAD 0.003%). This sequence change replaces aspartic acid, which is acidic and polar, with glutamic acid, which is acidic and polar, at codon 303 of the SPTAN1 protein (p.Asp303Glu).